The following is an entry in ClinVar:

ClinVar aggregate classification (germline): Uncertain significance (1 of 4 stars; one submission).

Conditions:
LAMB2-related infantile-onset nephrotic syndrome. Also called: NEPHROTIC SYNDROME, TYPE 5, WITHOUT OCULAR ABNORMALITIES; NEPHROTIC SYNDROME, TYPE 5, WITH OCULAR ABNORMALITIES; Nephrotic Syndrome, type 5. Identifiers: Orphanet 306507, MedGen C3280113, MONDO:0013621, OMIM 614199.
Pierson syndrome. Also called: MICROCORIA-CONGENITAL NEPHROTIC SYNDROME. Identifiers: Orphanet 2670, MedGen C1836876, MONDO:0012184, OMIM 609049.

Allele frequency attached by ClinVar (database versions not stated): gnomAD 0.00001; gnomAD exomes 0.00001 and 0.00002; TOPMed 0.00002; ExAC 0.00002.
gnomAD v4.1: 12 of 1,613,484 alleles (0.00074%); highest among the groups gnomAD compares: Middle Eastern, 0.016%; no homozygotes.

Submission:

Labcorp Genetics (formerly Invitae), Labcorp
Classification: Uncertain significance for LAMB2-related infantile-onset nephrotic syndrome; Pierson syndrome. Last evaluated: 2017-12-06. Review status: criteria provided, single submitter. Criteria: Invitae Variant Classification Sherloc (09022015). Collection method: clinical testing. Allele origin: germline.
Comment: This variant is present in population databases (rs764494090, ExAC 0.009%). This sequence change replaces alanine with serine at codon 1549 of the LAMB2 protein (p.Ala1549Ser). The alanine residue is weakly conserved and there is a moderate physicochemical difference between alanine and serine. This variant has not been reported in the literature in individuals with LAMB2-related disease. In summary, the available evidence is currently insufficient to determine the role of this variant in disease. Therefore, it has been classified as a Variant of Uncertain Significance. Algorithms developed to predict the effect of missense changes on protein structure and function (SIFT, PolyPhen-2, Align-GVGD) all suggest that this variant is likely to be tolerated, but these predictions have not been confirmed by published functional studies and their clinical significance is uncertain.

NM_002292.4(LAMB2):c.4645G>T (p.Ala1549Ser)

Gene: LAMB2 (laminin subunit beta 2; minus strand). Cytogenetic location: 3p21.31.
Variant type: single nucleotide variant.
Coding change: c.4645G>T on transcript NM_002292.4 (MANE Select); coding-DNA position 4645, G replaced by T.
Protein change: p.Ala1549Ser; replaces alanine 1549 with serine.
Molecular consequence: missense variant.
Genome position (GRCh38, 1-based): chr3:49,122,299, C>A on the plus strand (G>T on the coding strand, the complement: LAMB2 is on the minus strand). VCF-style: chr3-49122299-C-A. GRCh37 (hg19) VCF-style: chr3-49159732-C-A.
Other names: short protein forms A1549S.
Identifiers: ClinVar variation 539734 (VCV000539734.6), dbSNP rs764494090, ClinGen allele CA2393741.